The following is an entry in ClinVar:

NM_004356.4(CD81):c.211G>A (p.Val71Ile)

Gene: CD81 (CD81 molecule; plus strand). Cytogenetic location: 11p15.5.
Variant type: single nucleotide variant.
Coding change: c.211G>A on transcript NM_004356.4 (MANE Select); coding-DNA position 211, G replaced by A.
Protein change: p.Val71Ile; replaces valine 71 with isoleucine.
Molecular consequence: missense variant. On other transcripts: 5 prime UTR variant (1).
Genome position (GRCh38, 1-based): chr11:2,394,124, G>A. VCF-style: chr11-2394124-G-A. GRCh37 (hg19) VCF-style: chr11-2415354-G-A.
Other names: c.-3G>A (NM_001297649.2); short protein forms V71I.
Identifiers: ClinVar variation 1922150 (VCV001922150.5), dbSNP rs2496527288, ClinGen allele CA379123239.

ClinVar aggregate classification (germline): Uncertain significance (1 of 4 stars; one submission).

Submission:

Labcorp Genetics (formerly Invitae), Labcorp
Classification: Uncertain significance. Last evaluated: 2022-03-24. Review status: criteria provided, single submitter. Criteria: Invitae Variant Classification Sherloc (09022015). Collection method: clinical testing. Allele origin: germline.
Comment: This variant is not present in population databases (gnomAD no frequency). In summary, the available evidence is currently insufficient to determine the role of this variant in disease. Therefore, it has been classified as a Variant of Uncertain Significance. Algorithms developed to predict the effect of missense changes on protein structure and function are either unavailable or do not agree on the potential impact of this missense change (SIFT: "Tolerated"; PolyPhen-2: "Possibly Damaging"; Align-GVGD: "Class C0"). This variant has not been reported in the literature in individuals affected with CD81-related conditions. This sequence change replaces valine, which is neutral and non-polar, with isoleucine, which is neutral and non-polar, at codon 71 of the CD81 protein (p.Val71Ile).